The following is an entry in ClinVar:

NM_006767.4(LZTR1):c.2462T>G (p.Ile821Arg)

Gene: LZTR1 (leucine zipper like post translational regulator 1; plus strand). Cytogenetic location: 22q11.21.
Variant type: single nucleotide variant.
Coding change: c.2462T>G on transcript NM_006767.4 (MANE Select); coding-DNA position 2462, T replaced by G.
Protein change: p.Ile821Arg; replaces isoleucine 821 with arginine.
Molecular consequence: missense variant.
Genome position (GRCh38, 1-based): chr22:20,997,287, T>G. VCF-style: chr22-20997287-T-G. GRCh37 (hg19) VCF-style: chr22-21351576-T-G.
Other names: short protein forms I821R.
Identifiers: ClinVar variation 3541704 (VCV003541704.1).
Genomic context (GRCh38, chr22:20,997,287, plus strand): 5'-TACAGGTCTCCAAGTTGCCCACCCTGCGGTCGCTGAGCCAGCAGCTGCTGCTGGACATCA[T>G]AGACTCCCTGGCCTCCCACATCTCAGACAAGCAGTGCGCAGAGCTGGGCGCCGACATCTG-3'
Protein context (NP_006758.2, residues 811-831): SLSQQLLLDI[Ile821Arg]DSLASHISDK

ClinVar aggregate classification (germline): Uncertain significance (1 of 4 stars; one submission).

Conditions:
Hereditary cancer-predisposing syndrome. Also called: Hereditary Cancer Syndrome; Hereditary neoplastic syndrome; Tumor predisposition; Neoplastic Syndromes, Hereditary. Identifiers: Orphanet 140162, MedGen C0027672, MeSH D009386, MONDO:0015356.
Cardiovascular phenotype. Identifiers: MedGen CN230736.

gnomAD v4.1: 2 of 1,613,854 alleles (0.00012%); highest among the groups gnomAD compares: Non-Finnish European, 0.00017%; no homozygotes.

Submission:

Ambry Genetics
Classification: Uncertain significance for Cardiovascular phenotype; Hereditary cancer-predisposing syndrome. Last evaluated: 2024-11-16. Review status: criteria provided, single submitter. Criteria: Ambry Variant Classification Scheme 2023. Collection method: clinical testing. Allele origin: germline.
Comment: The p.I821R variant (also known as c.2462T>G), located in coding exon 21 of the LZTR1 gene, results from a T to G substitution at nucleotide position 2462. The isoleucine at codon 821 is replaced by arginine, an amino acid with similar properties. This amino acid position is conserved. In addition, the in silico prediction for this alteration is inconclusive. Based on the available evidence, the clinical significance of this variant remains unclear.